The following is an entry in ClinVar:

NM_001081.4(CUBN):c.1010C>T (p.Pro337Leu)

Gene: CUBN (cubilin; minus strand). Cytogenetic location: 10p13.
Variant type: single nucleotide variant.
Coding change: c.1010C>T on transcript NM_001081.4 (MANE Select); coding-DNA position 1010, C replaced by T.
Protein change: p.Pro337Leu; replaces proline 337 with leucine.
Molecular consequence: missense variant.
Genome position (GRCh38, 1-based): chr10:17,110,924, G>A on the plus strand (C>T on the coding strand, the complement: CUBN is on the minus strand). VCF-style: chr10-17110924-G-A. GRCh37 (hg19) VCF-style: chr10-17152923-G-A.
Other names: c.1010C>T (NM_001081.3); short protein forms P337L.
Identifiers: ClinVar variation 873110 (VCV000873110.39), dbSNP rs202153130, ClinGen allele CA5425453.

ClinVar aggregate classification (germline): Conflicting classifications of pathogenicity. Review status: criteria provided, conflicting classifications (1 of 4 stars). 9 submissions from 9 submitters: Pathogenic (4); Likely pathogenic (3); Uncertain significance (1). 1 of the submissions does not count toward it. Last evaluated 2025-12-10.

Conditions:
Inborn genetic diseases. Identifiers: MedGen C0950123, MeSH D030342.
Imerslund-Grasbeck syndrome type 1 (IGS1). Also called: Megaloblastic anemia 1, Finnish type; Imerslund-Gräsbeck syndrome 1; MEGALOBLASTIC ANEMIA, 1. Identifiers: MedGen C4016819, MONDO:0100156, OMIM 261100.
Proteinuria, chronic benign. Identifiers: MedGen C5394384, MONDO:0030042, OMIM 618884.
Imerslund-Grasbeck syndrome. Also called: ENTEROCYTE COBALAMIN MALABSORPTION; ENTEROCYTE INTRINSIC FACTOR RECEPTOR, DEFECT OF; PERNICIOUS ANEMIA, JUVENILE, DUE TO SELECTIVE INTESTINAL MALABSORPTION OF VITAMIN B12, WITH PROTEINURIA; Megaloblastic anemia due to inborn errors of metabolism; Imerslund-Gräsbeck syndrome. Identifiers: Orphanet 35858, MedGen C4551825, MONDO:0009853.
CUBN-related disorders.

Allele frequency attached by ClinVar (database versions not stated): gnomAD 0.00007; ESP Exome Variant Server 0.00008; TOPMed 0.00008; gnomAD exomes 0.00011; ExAC 0.00012.
gnomAD v4.1: 170 of 1,614,090 alleles (0.011%); highest among the groups gnomAD compares: Non-Finnish European, 0.014%; no homozygotes.

Submissions (9):

Labcorp Genetics (formerly Invitae), Labcorp
Classification: Pathogenic for Imerslund-Grasbeck syndrome. Last evaluated: 2025-12-10. Review status: criteria provided, single submitter. Criteria: Invitae Variant Classification Sherloc (09022015). Collection method: clinical testing. Allele origin: germline.
Comment: This sequence change replaces proline, which is neutral and non-polar, with leucine, which is neutral and non-polar, at codon 337 of the CUBN protein (p.Pro337Leu). This variant is present in population databases (rs202153130, gnomAD 0.02%). This missense change has been observed in individual(s) with Imerslund-Gräsbeck syndrome (PMID: 17668238, 22929189). In at least one individual the data is consistent with being in trans (on the opposite chromosome) from a pathogenic variant. ClinVar contains an entry for this variant (Variation ID: 873110). Invitae Evidence Modeling of protein sequence and biophysical properties (such as structural, functional, and spatial information, amino acid conservation, physicochemical variation, residue mobility, and thermodynamic stability) indicates that this missense variant is expected to disrupt CUBN protein function with a positive predictive value of 80%. For these reasons, this variant has been classified as Pathogenic.

GeneDx
Classification: Likely pathogenic. Last evaluated: 2025-07-03. Review status: criteria provided, single submitter. Criteria: GeneDx Variant Classification Process June 2021. Collection method: clinical testing. Allele origin: germline. Affected: yes.
Comment: In silico analysis supports that this missense variant has a deleterious effect on protein structure/function; This variant is associated with the following publications: (PMID: 33031161, 21750092, 29402915, 17668238, 22929189)

ARUP Laboratories, Molecular Genetics and Genomics, ARUP Laboratories
Classification: Likely pathogenic. Last evaluated: 2024-09-03. Review status: criteria provided, single submitter. Criteria: ARUP Molecular Germline Variant Investigation Process 2024. Collection method: clinical testing. Allele origin: germline.
Comment: The CUBN c.1010C>T; p.Pro337Leu variant (rs202153130, ClinVar Variation ID: 873110) is reported in the literature in multiple individuals affected with a hereditary vitamin B12 deficiency syndrome (Hauck 2008, Tanner 2012). Affected individuals with this variant have each been reported to carry an additional pathogenic variant (Tanner 2012), including one individual with a partial CUBN deletion confirmed in trans to p.Pro337Leu (Hauck 2008). The p.Pro337Leu variant is found in the non-Finnish European population with an allele frequency of 0.02% (29/129158 alleles) in the Genome Aggregation Database(v2.1.1). Computational analyses predict that this variant is deleterious (REVEL: 0.869). Based on available information, this variant is considered to be likely pathogenic. References: Hauck FH et al. Imerslund-Grasbeck syndrome in a 15-year-old German girl caused by compound heterozygous mutations in CUBN. Eur J Pediatr. 2008 Jun;167(6):671-5. PMID: 17668238. Tanner SM et al. Inherited cobalamin malabsorption. Mutations in three genes reveal functional and ethnic patterns. Orphanet J Rare Dis. 2012 Aug 28;7:56. PMID: 22929189.

Blueprint Genetics
Classification: Pathogenic for CUBN-related disorders. Last evaluated: 2024-08-06. Review status: criteria provided, single submitter. Criteria: ACMG Guidelines, 2015. Collection method: clinical testing. Allele origin: germline. Affected: yes. Observed: 5 variant alleles.

Ambry Genetics
Classification: Pathogenic for Inborn genetic diseases. Last evaluated: 2024-06-18. Review status: criteria provided, single submitter. Criteria: Ambry Variant Classification Scheme 2023. Collection method: clinical testing. Allele origin: germline.
Comment: The c.1010C>T (p.P337L) alteration is located in exon 9 (coding exon 9) of the CUBN gene. This alteration results from a C to T substitution at nucleotide position 1010, causing the proline (P) at amino acid position 337 to be replaced by a leucine (L). Based on data from gnomAD, the T allele has an overall frequency of 0.011% (31/282838) total alleles studied. This variant has been identified in conjunction with other CUBN variants in multiple individuals with vitamin B12 deficiency (Hauck, 2008; Tanner, 2012). This amino acid position is highly conserved in available vertebrate species. This alteration is predicted to be deleterious by in silico analysis. Based on the available evidence, this alteration is classified as pathogenic.

Fulgent Genetics
Classification: Pathogenic for Imerslund-Grasbeck syndrome type 1; Proteinuria, chronic benign. Last evaluated: 2024-05-03. Review status: criteria provided, single submitter. Criteria: ACMG Guidelines, 2015. Collection method: clinical testing. Allele origin: germline.

MGZ Medical Genetics Center
Classification: Likely pathogenic for Imerslund-Grasbeck syndrome type 1. Last evaluated: 2022-07-19. Review status: criteria provided, single submitter. Criteria: ACMG Guidelines, 2015. Collection method: clinical testing. Allele origin: germline. Affected: yes. Observed: 1 variant allele.
Comment: ACMG criteria applied: PM3_STR, PS4_MOD, PM2_SUP, PP3

Revvity Omics, Revvity
Classification: Uncertain significance. Last evaluated: 2021-11-29. Review status: criteria provided, single submitter. Criteria: ACMG Guidelines, 2015. Collection method: clinical testing. Allele origin: germline.

OMIM
Classification: Pathogenic for IMERSLUND-GRASBECK SYNDROME 1. Last evaluated: 2020-05-18. Review status: no assertion criteria provided. Collection method: literature only. Allele origin: germline. Not counted in ClinVar's aggregate classification.

Literature cited by the submitters: PubMed 17668238 (cited by 3 submitters); PubMed 22929189 (cited by Labcorp Genetics (formerly Invitae), Labcorp and Ambry Genetics); PubMed 29402915 (cited by Ambry Genetics).